The following is an entry in ClinVar:

NM_003072.5(SMARCA4):c.3290A>G (p.His1097Arg)

Gene: SMARCA4 (SWI/SNF related BAF chromatin remodeling complex subunit ATPase 4; plus strand). Cytogenetic location: 19p13.2.
Variant type: single nucleotide variant.
Coding change: c.3290A>G on transcript NM_003072.5 (MANE Select); coding-DNA position 3290, A replaced by G.
Protein change: p.His1097Arg; replaces histidine 1097 with arginine.
Molecular consequence: missense variant. On other transcripts: non-coding transcript variant (1).
Genome position (GRCh38, 1-based): chr19:11,027,858, A>G. VCF-style: chr19-11027858-A-G. GRCh37 (hg19) VCF-style: chr19-11138534-A-G.
Other names: c.3290A>G, p.His1097Arg (NM_001374457.1, NM_001387283.1, NM_001411150.1 and 6 more transcripts); short protein forms H1097R.
Identifiers: ClinVar variation 3636875 (VCV003636875.2).
Genomic context (GRCh38, chr19:11,027,858, plus strand): 5'-GAGCCTCGGGTAAATTTGAGCTTCTTGATAGAATTCTTCCCAAACTCCGAGCAACCAACC[A>G]CAAAGTGCTGCTGTTCTGCCAAATGACCTCCCTCATGACCATCATGGAAGATTACTTTGC-3'
Protein context (NP_003063.2, residues 1087-1107): RILPKLRATN[His1097Arg]KVLLFCQMTS

ClinVar aggregate classification (germline): Uncertain significance (1 of 4 stars; one submission).

Conditions:
Rhabdoid tumor predisposition syndrome 2 (RTPS2). Identifiers: Orphanet 231108, Orphanet 69077, MedGen C2750074, MONDO:0013224, OMIM 613325.

Submission:

Labcorp Genetics (formerly Invitae), Labcorp
Classification: Uncertain significance for Rhabdoid tumor predisposition syndrome 2. Last evaluated: 2024-07-09. Review status: criteria provided, single submitter. Criteria: Invitae Variant Classification Sherloc (09022015). Collection method: clinical testing. Allele origin: germline.
Comment: This sequence change replaces histidine, which is basic and polar, with arginine, which is basic and polar, at codon 1097 of the SMARCA4 protein (p.His1097Arg). This variant is not present in population databases (gnomAD no frequency). This variant has not been reported in the literature in individuals affected with SMARCA4-related conditions. Advanced modeling of protein sequence and biophysical properties (such as structural, functional, and spatial information, amino acid conservation, physicochemical variation, residue mobility, and thermodynamic stability) performed at Invitae indicates that this missense variant is expected to disrupt SMARCA4 protein function with a positive predictive value of 95%. In summary, the available evidence is currently insufficient to determine the role of this variant in disease. Therefore, it has been classified as a Variant of Uncertain Significance.